The following is an entry in ClinVar:

NM_000426.4(LAMA2):c.8857+1G>A

Gene: LAMA2 (laminin subunit alpha 2; plus strand). Cytogenetic location: 6q22.33.
Variant type: single nucleotide variant.
Coding change: c.8857+1G>A on transcript NM_000426.4 (MANE Select); the canonical splice donor site of the intron after coding-DNA position 8857, G replaced by A.
Molecular consequence: splice donor variant.
Genome position (GRCh38, 1-based): chr6:129,507,643, G>A. VCF-style: chr6-129507643-G-A. GRCh37 (hg19) VCF-style: chr6-129828788-G-A.
Other names: c.8845+1G>A (NM_001079823.2).
Identifiers: ClinVar variation 1067941 (VCV001067941.10), dbSNP rs112827330, ClinGen allele CA365635766.

ClinVar aggregate classification (germline): Likely pathogenic. Review status: criteria provided, multiple submitters, no conflicts (2 of 4 stars). 2 submissions from 2 submitters: Likely pathogenic (2). Last evaluated 2024-01-24.

Conditions:
LAMA2-related muscular dystrophy (LAMA2-RD). Also called: Laminin alpha 2-related dystrophy. Identifiers: MedGen C5679788, MONDO:0100228.
Merosin deficient congenital muscular dystrophy (MDC1A). Also called: Congenital Muscular Dystrophy Type 1A (MDC1A); Congenital merosin-deficient muscular dystrophy 1A. Identifiers: Orphanet 258, MedGen C1263858, MONDO:0011925, OMIM 607855.

Allele frequency attached by ClinVar (database versions not stated): TOPMed below 0.00001.

Submissions (2):

Baylor Genetics
Classification: Likely pathogenic for Merosin deficient congenital muscular dystrophy. Last evaluated: 2024-01-24. Review status: criteria provided, single submitter. Criteria: ACMG Guidelines, 2015. Collection method: clinical testing. Allele origin: unknown.

Labcorp Genetics (formerly Invitae), Labcorp
Classification: Likely pathogenic for LAMA2-related muscular dystrophy. Last evaluated: 2020-02-25. Review status: criteria provided, single submitter. Criteria: Invitae Variant Classification Sherloc (09022015). Collection method: clinical testing. Allele origin: germline.
Comment: This sequence change affects a donor splice site in intron 62 of the LAMA2 gene. It is expected to disrupt RNA splicing and likely results in an absent or disrupted protein product. In summary, the currently available evidence indicates that the variant is pathogenic, but additional data are needed to prove that conclusively. Therefore, this variant has been classified as Likely Pathogenic. Donor and acceptor splice site variants typically lead to a loss of protein function (PMID: 16199547), and loss-of-function variants in LAMA2 are known to be pathogenic (PMID: 18700894). Algorithms developed to predict the effect of sequence changes on RNA splicing suggest that this variant may disrupt the consensus splice site, but this prediction has not been confirmed by published transcriptional studies. This variant has not been reported in the literature in individuals with LAMA2-related conditions. This variant is not present in population databases (ExAC no frequency).

Literature cited by the submitters: PubMed 16199547 (cited by Labcorp Genetics (formerly Invitae), Labcorp); PubMed 18700894 (cited by Labcorp Genetics (formerly Invitae), Labcorp).